The following is an entry in ClinVar:

NM_001540.5(HSPB1):c.80del (p.Arg27fs)

Gene: HSPB1 (heat shock protein family B (small) member 1; plus strand). Cytogenetic location: 7q11.23.
Variant type: Deletion.
Coding change: c.80del on transcript NM_001540.5 (MANE Select); coding-DNA position 80, one base deleted (G; older notation c.80delG).
Protein change: p.Arg27fs; shifts the reading frame from arginine 27.
Molecular consequence: frameshift variant.
Genome position (GRCh38, 1-based): chr7:76,302,792, G deleted. VCF-style (leftmost placement, unchanged base first): chr7-76302791-CG-C. GRCh37 (hg19) VCF-style: chr7-75932108-CG-C.
Other names: short protein forms R27fs.
Identifiers: ClinVar variation 4849904 (VCV004849904.1).

ClinVar aggregate classification (germline): Likely pathogenic (1 of 4 stars; one submission).

Conditions:
Neuronopathy, distal hereditary motor, type 2B. Also called: HMN IIB; NEURONOPATHY, DISTAL HEREDITARY MOTOR, AUTOSOMAL DOMINANT 3; NEURONOPATHY, DISTAL HEREDITARY MOTOR, HARDING TYPE IIB; NEUROPATHY, DISTAL HEREDITARY MOTOR, HARDING TYPE IIB. Identifiers: Orphanet 139525, MedGen C2608087, MONDO:0012080, OMIM 608634.

Submission:

Department of Traditional Chinese Medicine, Fujian Provincial Hospital
Classification: Likely pathogenic for Neuronopathy, distal hereditary motor, type 2B. Last evaluated: 2025-06-24. Review status: criteria provided, single submitter. Criteria: ACMG Guidelines, 2015. Collection method: research. Allele origin: germline. Inheritance: Autosomal dominant inheritance. Affected: yes. Observed: 1 variant allele, 1 heterozygote.
Comment: Neurological examination showed increased tone in both lower limbs, mildly reduced lower-limb strength with proximal predominance, brisk tendon reflexes, impaired position sense, and a positive left Chaddock sign, suggesting predominant corticospinal tract involvement. Anal sphincter electromyography showed neurogenic injury, while routine limb electromyography and somatosensory evoked potentials did not show definite abnormalities. HSPB1 is associated with autosomal dominant motor neuropathy phenotypes, including axonal Charcot-Marie-Tooth disease type 2F and distal hereditary motor neuropathy. The patient’s phenotype shows partial overlap with the HSPB1-related motor neuropathy spectrum, although the presentation is not fully classic for HSPB1-related disease. This variant was interpreted according to the ACMG/AMP 2015 guidelines. Evidence considered includes the predicted frameshift effect of the variant, absence from population databases, and partial phenotypic overlap with HSPB1-related motor neuropathy. Based on the currently available evidence, this variant is classified as likely pathogenic.

Literature cited by the submitters: PubMed 22734906; PubMed 28144995; PubMed 33686258.